The following is an entry in ClinVar:

ClinVar aggregate classification (germline): Pathogenic/Likely pathogenic. Review status: criteria provided, multiple submitters, no conflicts (2 of 4 stars). 10 submissions from 9 submitters: Pathogenic (5); Likely pathogenic (4). 1 of the submissions does not count toward it. Last evaluated 2026-01-21.

Conditions:
USH2A-related disorder. Also called: USH2A-related disorders; USH2A-related condition. Identifiers: MedGen CN239332.
Retinitis pigmentosa 39 (RP39). Identifiers: Orphanet 791, MedGen C3151138, MONDO:0013436, OMIM 613809.
Usher syndrome type 2A. Also called: RETINAL DISEASE IN USHER SYNDROME TYPE IIA, MODIFIER OF; USHER SYNDROME, TYPE IIA. Identifiers: Orphanet 231178, Orphanet 886, MedGen C1848634, MONDO:0010169, OMIM 276901.

Submissions (10):

Labcorp Genetics (formerly Invitae), Labcorp
Classification: Pathogenic. Last evaluated: 2026-01-21. Review status: criteria provided, single submitter. Criteria: Invitae Variant Classification Sherloc (09022015). Collection method: clinical testing. Allele origin: germline.
Comment: This sequence change creates a premature translational stop signal (p.Ser1197Profs*40) in the USH2A gene. It is expected to result in an absent or disrupted protein product. Loss-of-function variants in USH2A are known to be pathogenic (PMID: 10729113, 10909849, 20507924, 25649381). This variant is not present in population databases (gnomAD no frequency). This variant has not been reported in the literature in individuals affected with USH2A-related conditions. ClinVar contains an entry for this variant (Variation ID: 552496). For these reasons, this variant has been classified as Pathogenic.

Natera, Inc.
Classification: Pathogenic for Usher syndrome type 2A. Last evaluated: 2024-10-28. Review status: criteria provided, single submitter. Criteria: Natera Variant Classification Schema (03/2026). Collection method: clinical testing. Allele origin: germline.
Comment: The c.3589delT variant in USH2A is a frameshift variant predicted to shift the reading frame beginning at codon 1197 and leads to a stop codon 40 codons downstream. This variant is expected to result in nonsense mediated decay, truncation, or a dysfunctional protein product. This variant is rare in the general population with a frequency below the threshold expected for the associated phenotype(s). This variant has been observed in one or more individuals affected with the associated recessive disease, as either homozygous or compound heterozygous with a second variant (PMID: 38219857, 34410191). Given the available evidence, this variant is classified as Pathogenic.

Fulgent Genetics
Classification: Likely pathogenic for Usher syndrome type 2A; Retinitis pigmentosa 39. Last evaluated: 2024-04-17. Review status: criteria provided, single submitter. Criteria: ACMG Guidelines, 2015. Collection method: clinical testing. Allele origin: germline.

Genome-Nilou Lab
Classification: Likely pathogenic for Retinitis pigmentosa 39. Last evaluated: 2023-11-04. Review status: criteria provided, single submitter. Criteria: ACMG Guidelines, 2015. Collection method: clinical testing. Allele origin: germline. Affected: no.

Genome-Nilou Lab
Classification: Likely pathogenic for Usher syndrome type 2A. Last evaluated: 2023-11-04. Review status: criteria provided, single submitter. Criteria: ACMG Guidelines, 2015. Collection method: clinical testing. Allele origin: germline. Affected: no.

Baylor Genetics
Classification: Pathogenic for Retinitis pigmentosa 39. Last evaluated: 2023-10-04. Review status: criteria provided, single submitter. Criteria: ACMG Guidelines, 2015. Collection method: clinical testing. Allele origin: unknown.

Ocular Genomics Institute, Massachusetts Eye and Ear
Classification: Likely pathogenic for Retinitis pigmentosa 39. Last evaluated: 2021-04-08. Review status: criteria provided, single submitter. Criteria: ACMG Guidelines, 2015. Collection method: research. Allele origin: germline. Affected: yes.
Comment: Through a review of available evidence we were able to apply the following criteria: PVS1, PM2. Based on this evidence we have classified this variant as Likely Pathogenic.

Blueprint Genetics
Classification: Pathogenic for USH2A-related disorders. Last evaluated: 2020-01-27. Review status: criteria provided, single submitter. Criteria: ACMG Guidelines, 2015. Collection method: clinical testing. Allele origin: germline. Affected: yes. Observed: 5 variant alleles.

GeneDx
Classification: Pathogenic. Last evaluated: 2019-05-09. Review status: criteria provided, single submitter. Criteria: GeneDx Variant Classification Process June 2021. Collection method: clinical testing. Allele origin: germline. Affected: yes.
Comment: Frameshift variant predicted to result in nonsense mediated decay in a gene for which loss-of-function is a known mechanism of disease; Not observed in large population cohorts (Lek et al., 2016) This variant is associated with the following publications: (PMID: 16963483)

Counsyl
Classification: Likely pathogenic for Usher syndrome type 2A; Retinitis pigmentosa 39. Last evaluated: 2017-06-13. Review status: no assertion criteria provided. Collection method: clinical testing. Allele origin: unknown. Not counted in ClinVar's aggregate classification.

Literature cited by the submitters: PubMed 10729113 (cited by Labcorp Genetics (formerly Invitae), Labcorp); PubMed 10909849 (cited by Labcorp Genetics (formerly Invitae), Labcorp); PubMed 20507924 (cited by Labcorp Genetics (formerly Invitae), Labcorp); PubMed 25649381 (cited by Labcorp Genetics (formerly Invitae), Labcorp); PubMed 38219857 (cited by Natera, Inc.); PubMed 34410191 (cited by Natera, Inc.); PubMed 16963483 (cited by Counsyl).

NM_206933.4(USH2A):c.3589del (p.Ser1197fs)

Genes: USH2A (usherin; minus strand), USH2A-AS1 (USH2A antisense RNA 1; plus strand). Cytogenetic location: 1q41.
Variant type: Deletion.
Coding change: c.3589del on transcript NM_206933.4 (MANE Select); coding-DNA position 3589, one base deleted (T; older notation c.3589delT).
Protein change: p.Ser1197fs; shifts the reading frame from serine 1197.
Molecular consequence: frameshift variant.
Genome position (GRCh38, 1-based): chr1:216,199,849, A deleted on the plus strand (T on the coding strand, the reverse complement: USH2A is on the minus strand); the first of 3 consecutive A bases (chr1:216,199,849-216,199,851); deleting any one gives the same sequence. VCF-style (leftmost placement, unchanged base first): chr1-216199848-GA-G. GRCh37 (hg19) VCF-style: chr1-216373190-GA-G.
Other names: c.3589del (NM_206933.2); c.3589del, p.Ser1197fs (NM_007123.6); short protein forms S1197fs.
Identifiers: ClinVar variation 552496 (VCV000552496.18), dbSNP rs1553313810, ClinGen allele CA658822783.